The following is an entry in ClinVar:

ClinVar aggregate classification (germline): Uncertain significance (1 of 4 stars; one submission).

gnomAD v4.1: 8 of 1,613,772 alleles (0.0005%); highest among the groups gnomAD compares: South Asian, 0.0033%; no homozygotes.

Submission:

Labcorp Genetics (formerly Invitae), Labcorp
Classification: Uncertain significance. Last evaluated: 2024-03-27. Review status: criteria provided, single submitter. Criteria: Invitae Variant Classification Sherloc (09022015). Collection method: clinical testing. Allele origin: germline.
Comment: This sequence change replaces phenylalanine, which is neutral and non-polar, with valine, which is neutral and non-polar, at codon 197 of the COL7A1 protein (p.Phe197Val). This variant is present in population databases (rs760438915, gnomAD 0.003%). This variant has not been reported in the literature in individuals affected with COL7A1-related conditions. Advanced modeling of protein sequence and biophysical properties (such as structural, functional, and spatial information, amino acid conservation, physicochemical variation, residue mobility, and thermodynamic stability) has been performed at Invitae for this missense variant, however the output from this modeling did not meet the statistical confidence thresholds required to predict the impact of this variant on COL7A1 protein function. In summary, the available evidence is currently insufficient to determine the role of this variant in disease. Therefore, it has been classified as a Variant of Uncertain Significance.

NM_000094.4(COL7A1):c.589T>G (p.Phe197Val)

Gene: COL7A1 (collagen type VII alpha 1 chain; minus strand). Cytogenetic location: 3p21.31.
Variant type: single nucleotide variant.
Coding change: c.589T>G on transcript NM_000094.4 (MANE Select); coding-DNA position 589, T replaced by G.
Protein change: p.Phe197Val; replaces phenylalanine 197 with valine.
Molecular consequence: missense variant.
Genome position (GRCh38, 1-based): chr3:48,593,195, A>C on the plus strand (T>G on the coding strand, the complement: COL7A1 is on the minus strand). VCF-style: chr3-48593195-A-C. GRCh37 (hg19) VCF-style: chr3-48630628-A-C.
Other names: short protein forms F197V.
Identifiers: ClinVar variation 3710731 (VCV003710731.2).